The following is an entry in ClinVar:

NM_153460.4(IL17RC):c.1835C>G (p.Ser612Trp)

Gene: IL17RC (interleukin 17 receptor C; plus strand). Cytogenetic location: 3p25.3.
Variant type: single nucleotide variant.
Coding change: c.1835C>G on transcript NM_153460.4 (MANE Select); coding-DNA position 1835, C replaced by G.
Protein change: p.Ser612Trp; replaces serine 612 with tryptophan.
Molecular consequence: missense variant. On other transcripts: non-coding transcript variant (1).
Genome position (GRCh38, 1-based): chr3:9,933,265, C>G. VCF-style: chr3-9933265-C-G. GRCh37 (hg19) VCF-style: chr3-9974949-C-G.
Other names: c.1796C>G, p.Ser599Trp (NM_001203263.2); c.1745C>G, p.Ser582Trp (NM_001203264.2); c.1739C>G, p.Ser580Trp (NM_001203265.2); c.1757C>G, p.Ser586Trp (NM_001367278.1); c.1676C>G, p.Ser559Trp (NM_001367279.1); c.1751C>G, p.Ser584Trp (NM_001367280.1); c.1700C>G, p.Ser567Trp (NM_001410711.1); c.1790C>G, p.Ser597Trp (NM_032732.6); and 1 more; short protein forms S559W, S567W, S580W, S683W, S582W, S597W, S612W, S584W.
Identifiers: ClinVar variation 2777212 (VCV002777212.3), dbSNP rs570836701, ClinGen allele CA2247426.

ClinVar aggregate classification (germline): Uncertain significance (1 of 4 stars; one submission).

Conditions:
Candidiasis, familial, 9 (CANDF9). Identifiers: Orphanet 1334, MedGen C4225324, MONDO:0014642, OMIM 616445.

Allele frequency attached by ClinVar (database versions not stated): gnomAD 0.00001; 1000 Genomes Project 30x 0.00016; 1000 Genomes Project 0.00020.
gnomAD v4.1: 7 of 1,603,480 alleles (0.00044%); highest among the groups gnomAD compares: Admixed American, 0.0017%; no homozygotes.

Submission:

Labcorp Genetics (formerly Invitae), Labcorp
Classification: Uncertain significance for Candidiasis, familial, 9. Last evaluated: 2023-02-22. Review status: criteria provided, single submitter. Criteria: Invitae Variant Classification Sherloc (09022015). Collection method: clinical testing. Allele origin: germline.
Comment: In summary, the available evidence is currently insufficient to determine the role of this variant in disease. Therefore, it has been classified as a Variant of Uncertain Significance. Algorithms developed to predict the effect of missense changes on protein structure and function output the following: SIFT: "Not Available"; PolyPhen-2: "Benign"; Align-GVGD: "Not Available". The tryptophan amino acid residue is found in multiple mammalian species, which suggests that this missense change does not adversely affect protein function. This variant has not been reported in the literature in individuals affected with IL17RC-related conditions. This variant is present in population databases (rs570836701, gnomAD 0.003%). This sequence change replaces serine, which is neutral and polar, with tryptophan, which is neutral and slightly polar, at codon 683 of the IL17RC protein (p.Ser683Trp).